The following is an entry in ClinVar:

NM_014287.4(NOMO1):c.1097G>A (p.Arg366His)

Gene: NOMO1 (NODAL modulator 1). Cytogenetic location: 16p13.11.
Variant type: single nucleotide variant.
Coding change: c.1097G>A on transcript NM_014287.4 (MANE Select); coding-DNA position 1097, G replaced by A.
Protein change: p.Arg366His; replaces arginine 366 with histidine.
Molecular consequence: missense variant.
Genome position (GRCh38, 1-based): chr16:14,857,532, G>A. VCF-style: chr16-14857532-G-A. GRCh37 (hg19) VCF-style: chr16-14951389-G-A.
Other names: short protein forms R366H.
Identifiers: ClinVar variation 3904958 (VCV003904958.10).

ClinVar aggregate classification (germline): Likely benign (1 of 4 stars; one submission).

gnomAD v4.1: 3,041 of 1,610,118 alleles (0.19%); highest among the groups gnomAD compares: South Asian, 0.3%; 20 homozygotes.

Submission:

CeGaT Center for Human Genetics Tuebingen
Classification: Likely benign. Last evaluated: 2025-06-01. Review status: criteria provided, single submitter. Criteria: CeGaT Center For Human Genetics Tuebingen Variant Classification Criteria Version 2. Collection method: clinical testing. Allele origin: germline. Affected: yes. Observed: 1 variant allele.
Comment: NOMO1: BS2